The following is an entry in ClinVar:

ClinVar aggregate classification (germline): Conflicting classifications of pathogenicity. Review status: criteria provided, conflicting classifications (1 of 4 stars). 12 submissions from 12 submitters: Uncertain significance (1); Benign (4); Likely benign (5). 2 of the submissions do not count toward it. Last evaluated 2026-09-01.

Conditions:
Shprintzen-Goldberg syndrome (SGS). Also called: CRANIOSYNOSTOSIS WITH ARACHNODACTYLY AND ABDOMINAL HERNIAS; Marfanoid disorder with craniosynostosis type 1; Marfanoid craniosynostosis syndrome; Shprintzen-Goldberg marfanoid syndrome; SHPRINTZEN-GOLDBERG CRANIOSYNOSTOSIS SYNDROME. Identifiers: Orphanet 2462, MedGen C1321551, MONDO:0008426, OMIM 182212.
Familial thoracic aortic aneurysm and aortic dissection (TAAD). Also called: Thoracic aortic aneurysms and dissections. Identifiers: Orphanet 91387, MedGen C4707243, MONDO:0019625.

Allele frequency attached by ClinVar (database versions not stated): 1000 Genomes Project 30x 0.00062; gnomAD exomes 0.00070; ExAC 0.00078; 1000 Genomes Project 0.00080; TOPMed 0.00092; ESP Exome Variant Server 0.00093; gnomAD 0.00097.
gnomAD v4.1: 2,710 of 1,611,518 alleles (0.17%); highest among the groups gnomAD compares: Non-Finnish European, 0.22%; 1 homozygote.

Submissions (12):

CeGaT Center for Human Genetics Tuebingen
Classification: Likely benign. Last evaluated: 2026-09-01. Review status: criteria provided, single submitter. Criteria: CeGaT Center For Human Genetics Tuebingen Variant Classification Criteria Version 2. Collection method: clinical testing. Allele origin: germline. Affected: yes. Observed: 7 variant alleles.
Comment: SKI: BP4, BP7

Labcorp Genetics (formerly Invitae), Labcorp
Classification: Benign for Shprintzen-Goldberg syndrome. Last evaluated: 2026-02-04. Review status: criteria provided, single submitter. Criteria: Invitae Variant Classification Sherloc (09022015). Collection method: clinical testing. Allele origin: germline.

Mayo Clinic Laboratories, Mayo Clinic
Classification: Likely benign. Last evaluated: 2025-03-17. Review status: criteria provided, single submitter. Criteria: ACMG Guidelines, 2015. Collection method: clinical testing. Allele origin: germline. Observed: 3 variant alleles.
Comment: BS1, BP4, BP7

Blueprint Genetics
Classification: Likely benign. Last evaluated: 2024-10-31. Review status: criteria provided, single submitter. Criteria: ACMG Guidelines, 2015. Collection method: clinical testing. Allele origin: germline.

ARUP Laboratories, Molecular Genetics and Genomics, ARUP Laboratories
Classification: Benign for Shprintzen-Goldberg syndrome. Last evaluated: 2024-08-26. Review status: criteria provided, single submitter. Criteria: ARUP Molecular Germline Variant Investigation Process 2024. Collection method: clinical testing. Allele origin: germline.

Women's Health and Genetics/Laboratory Corporation of America, LabCorp
Classification: Benign. Last evaluated: 2023-07-29. Review status: criteria provided, single submitter. Criteria: LabCorp Variant Classification Summary - May 2015. Collection method: clinical testing. Allele origin: germline.

Ambry Genetics
Classification: Likely benign for Familial thoracic aortic aneurysm and aortic dissection. Last evaluated: 2015-03-06. Review status: criteria provided, single submitter. Criteria: Ambry Variant Classification Scheme 2023. Collection method: clinical testing. Allele origin: germline.

Eurofins Ntd Llc (ga)
Classification: Uncertain significance. Last evaluated: 2014-12-19. Review status: criteria provided, single submitter. Criteria: EGL Classification Definitions 2015. Collection method: clinical testing. Allele origin: germline. Observed: 1 variant allele, 1 heterozygote.

GeneDx
Classification: Benign. Last evaluated: 2014-09-04. Review status: criteria provided, single submitter. Criteria: GeneDx Variant Classification (06012015). Collection method: clinical testing. Allele origin: germline. Affected: yes.
Comment: This variant is considered likely benign or benign based on one or more of the following criteria: it is a conservative change, it occurs at a poorly conserved position in the protein, it is predicted to be benign by multiple in silico algorithms, and/or has population frequency not consistent with disease.

PreventionGenetics, part of Exact Sciences
Classification: Likely benign. Review status: criteria provided, single submitter. Criteria: ACMG Guidelines, 2015. Collection method: clinical testing. Allele origin: germline.

Clinical Genetics DNA and cytogenetics Diagnostics Lab, Erasmus MC, Erasmus Medical Center
Classification: Likely benign. Review status: no assertion criteria provided. Collection method: clinical testing. Allele origin: germline. Affected: yes. Study: VKGL Data-share Consensus. Not counted in ClinVar's aggregate classification.

Genome Diagnostics Laboratory, Amsterdam University Medical Center
Classification: Likely benign. Review status: no assertion criteria provided. Collection method: clinical testing. Allele origin: germline. Affected: yes. Study: VKGL Data-share Consensus. Not counted in ClinVar's aggregate classification.

NM_003036.4(SKI):c.798C>T (p.Ala266=)

Gene: SKI (SKI proto-oncogene; plus strand). Cytogenetic location: 1p36.33.
Variant type: single nucleotide variant.
Coding change: c.798C>T on transcript NM_003036.4 (MANE Select); coding-DNA position 798, C replaced by T.
Protein change: p.Ala266=; no amino-acid change (alanine 266 retained).
Molecular consequence: synonymous variant.
Genome position (GRCh38, 1-based): chr1:2,229,564, C>T. VCF-style: chr1-2229564-C-T. GRCh37 (hg19) VCF-style: chr1-2161003-C-T.
Other names: p.Ala266=.
Identifiers: ClinVar variation 193248 (VCV000193248.92), dbSNP rs149642284, ClinGen allele CA238762.
Genomic context (GRCh38, chr1:2,229,564, plus strand): 5'-GTGCCTGGACTGCCGCCTCATGTACCCGCCGCACAAGTTCGTGGTGCACTCGCACAAGGC[C>T]CTGGAGAACCGGACCTGCCACTGGGGCTTCGACTCGGCCAACTGGCGGGCCTACATCCTG-3'
Protein context (NP_003027.1, residues 256-276): PHKFVVHSHK[Ala266=]LENRTCHWGF